The following is an entry in ClinVar:

NM_001103.4(ACTN2):c.2632G>A (p.Ala878Thr)

Gene: ACTN2 (actinin alpha 2; plus strand). Cytogenetic location: 1q43.
Variant type: single nucleotide variant.
Coding change: c.2632G>A on transcript NM_001103.4 (MANE Select); coding-DNA position 2632, G replaced by A.
Protein change: p.Ala878Thr; replaces alanine 878 with threonine.
Molecular consequence: missense variant.
Genome position (GRCh38, 1-based): chr1:236,762,566, G>A. VCF-style: chr1-236762566-G-A. GRCh37 (hg19) VCF-style: chr1-236925866-G-A.
Other names: c.2632G>A, p.Ala878Thr (NM_001278343.2); c.2008G>A, p.Ala670Thr (NM_001278344.2); short protein forms A670T, A878T.
Identifiers: ClinVar variation 1316113 (VCV001316113.12), dbSNP rs1270659015, ClinGen allele CA345392542.
Genomic context (GRCh38, chr1:236,762,566, plus strand): 5'-CAGGCCCAGTACTGCATCAAGAGGATGCCCGCCTACTCGGGCCCAGGCAGTGTGCCTGGT[G>A]CACTGGATTACGCTGCGTTCTCTTCCGCACTCTACGGGGAGAGCGATCTGTGATGCTGAG-3'
Protein context (NP_001094.1, residues 868-888): AYSGPGSVPG[Ala878Thr]LDYAAFSSAL

ClinVar aggregate classification (germline): Uncertain significance. Review status: criteria provided, multiple submitters, no conflicts (2 of 4 stars). 4 submissions from 4 submitters: Uncertain significance (4). Last evaluated 2025-01-01.

Conditions:
Cardiovascular phenotype. Identifiers: MedGen CN230736.
Primary familial hypertrophic cardiomyopathy (HCM). Identifiers: Orphanet 99739, MedGen C0949658, MeSH D024741, MONDO:0024573. Inheritance: Various modes of inheritance.
Dilated cardiomyopathy 1AA (CMD1AA). Also called: CARDIOMYOPATHY, DILATED, 1AA, WITH OR WITHOUT LEFT VENTRICULAR NONCOMPACTION; CARDIOMYOPATHY, FAMILIAL HYPERTROPHIC, 23, WITH OR WITHOUT LEFT VENTRICULAR NONCOMPACTION; Cardiomyopathy, dilated, 1AA, with or without LVNC. Identifiers: Orphanet 154, MedGen C2677338, MONDO:0012808, OMIM 612158.
Myopathy, congenital, with structured cores and z-line abnormalities. Also called: CONGENITAL MYOPATHY 8; MULTIPLE STRUCTURED CORE DISEASE. Identifiers: MedGen C5231445, MONDO:0032852, OMIM 618654.
Myopathy, distal, 6, adult-onset, autosomal dominant. Identifiers: MedGen C5203349, MONDO:0032853, OMIM 618655.

Allele frequency attached by ClinVar (database versions not stated): gnomAD exomes below 0.00001; gnomAD 0.00001; TOPMed 0.00001.
gnomAD v4.1: 2 of 1,614,054 alleles (0.00012%); highest among the groups gnomAD compares: Admixed American, 0.0033%; no homozygotes.

Submissions (4):

Labcorp Genetics (formerly Invitae), Labcorp
Classification: Uncertain significance for Primary familial hypertrophic cardiomyopathy; Dilated cardiomyopathy 1AA. Last evaluated: 2025-01-01. Review status: criteria provided, single submitter. Criteria: Invitae Variant Classification Sherloc (09022015). Collection method: clinical testing. Allele origin: germline.
Comment: This sequence change replaces alanine, which is neutral and non-polar, with threonine, which is neutral and polar, at codon 878 of the ACTN2 protein (p.Ala878Thr). This variant is present in population databases (no rsID available, gnomAD 0.003%). This variant has not been reported in the literature in individuals affected with ACTN2-related conditions. ClinVar contains an entry for this variant (Variation ID: 1316113). An algorithm developed to predict the effect of missense changes on protein structure and function (PolyPhen-2) suggests that this variant is likely to be disruptive. Algorithms developed to predict the effect of sequence changes on RNA splicing suggest that this variant may create or strengthen a splice site. In summary, the available evidence is currently insufficient to determine the role of this variant in disease. Therefore, it has been classified as a Variant of Uncertain Significance.

Ambry Genetics
Classification: Uncertain significance for Cardiovascular phenotype. Last evaluated: 2024-12-05. Review status: criteria provided, single submitter. Criteria: Ambry Variant Classification Scheme 2023. Collection method: clinical testing. Allele origin: germline.
Comment: The p.A878T variant (also known as c.2632G>A), located in coding exon 21 of the ACTN2 gene, results from a G to A substitution at nucleotide position 2632. The alanine at codon 878 is replaced by threonine, an amino acid with similar properties. This amino acid position is conserved. In addition, this alteration is predicted to be deleterious by in silico analysis. Since supporting evidence is limited at this time, the clinical significance of this alteration remains unclear.

Fulgent Genetics
Classification: Uncertain significance for Dilated cardiomyopathy 1AA; Myopathy, congenital, with structured cores and z-line abnormalities; Myopathy, distal, 6, adult-onset, autosomal dominant. Last evaluated: 2021-10-12. Review status: criteria provided, single submitter. Criteria: ACMG Guidelines, 2015. Collection method: clinical testing. Allele origin: unknown.

GeneDx
Classification: Uncertain significance. Last evaluated: 2021-04-14. Review status: criteria provided, single submitter. Criteria: GeneDx Variant Classification Process June 2021. Collection method: clinical testing. Allele origin: germline. Affected: yes.
Comment: Has not been previously published as pathogenic or benign to our knowledge; Not observed at a significant frequency in large population cohorts (Lek et al., 2016); In silico analysis supports that this missense variant has a deleterious effect on protein structure/function